The following is an entry in ClinVar:

ClinVar aggregate classification (germline): Likely pathogenic (1 of 4 stars; one submission).

Submissions (7):

GeneDx
Classification: Likely pathogenic. Last evaluated: 2016-11-23. Review status: criteria provided, single submitter. Criteria: GeneDx Variant Classification (06012015). Collection method: clinical testing. Allele origin: germline. Affected: yes.
Comment: p.Gln204His (CAG>CAT): c.612 G>T in exon 4 of the KCNQ2 gene (NM_172107.2) The Gln204His missense change has not been published as a mutation, nor has it been reported as a benign polymorphism to our knowledge. However, a different amino acid substitution at the same position (Gln204Arg) was reported as a mutation tested previously at GeneDx. The Gln204His variant was not observed in approximately 6,500 individuals of European and African American ancestry in the NHLBI Exome Sequencing Project, indicating it is not a common benign variant in these populations.The amino acid substitution is non-conservative as an uncharged, Glutamine residue is replaced by a positively charged Histidine residue and several in-silico algorithms predict it may be damaging to the structure/function of the protein. Gln204His alters a conserved position in the KCNQ2 protein, although Histidine is seen in this position in one species. Therefore, based on the currently available information, Gln204His is a strong candidate for a disease-causing mutation, although the possibility that it is a benign variant cannot be excluded. The variant is found in INFANT-EPI panel(s).

Channelopathy-Associated Epilepsy Research Center
No classification provided (evidence only). Condition: Complex neurodevelopmental disorder. Review status: no classification provided. Collection method: literature only. Allele origin: not applicable. Functional consequence: Mild decrease in peak current, Severe slowing of activation, Severe depolarizing shift of voltage dependence of activation. Not counted in ClinVar's aggregate classification.
ClinVar note: "not provided" was previously submitted as the classification for the variant. However, the classification appeared to be based only on an observation of functional data so it was converted to no classification on 2025-07-30.

Channelopathy-Associated Epilepsy Research Center
No classification provided (evidence only). Review status: no classification provided. Collection method: in vitro. Allele origin: not applicable. Functional consequence: Normal peak current. Not counted in ClinVar's aggregate classification.

Channelopathy-Associated Epilepsy Research Center
No classification provided (evidence only). Review status: no classification provided. Collection method: in vitro. Allele origin: not applicable. Functional consequence: Normal peak current. Not counted in ClinVar's aggregate classification.

Channelopathy-Associated Epilepsy Research Center
No classification provided (evidence only). Review status: no classification provided. Collection method: in vitro. Allele origin: not applicable. Functional consequence: Normal voltage dependence of activation. Not counted in ClinVar's aggregate classification.

Channelopathy-Associated Epilepsy Research Center
No classification provided (evidence only). Review status: no classification provided. Collection method: in vitro. Allele origin: not applicable. Functional consequence: Normal slope of activation. Not counted in ClinVar's aggregate classification.

Channelopathy-Associated Epilepsy Research Center
No classification provided (evidence only). Review status: no classification provided. Collection method: in vitro. Allele origin: not applicable. Functional consequence: Normal rate of activation. Not counted in ClinVar's aggregate classification.

Literature cited by the submitters: PubMed 35104249 (cited by Channelopathy-Associated Epilepsy Research Center).

NM_172107.4(KCNQ2):c.612G>T (p.Gln204His)

Gene: KCNQ2 (potassium voltage-gated channel subfamily Q member 2; minus strand). Cytogenetic location: 20q13.33.
Variant type: single nucleotide variant.
Coding change: c.612G>T on transcript NM_172107.4 (MANE Select); coding-DNA position 612, G replaced by T.
Protein change: p.Gln204His; replaces glutamine 204 with histidine.
Molecular consequence: missense variant.
Genome position (GRCh38, 1-based): chr20:63,444,737, C>A on the plus strand (G>T on the coding strand, the complement: KCNQ2 is on the minus strand). VCF-style: chr20-63444737-C-A. GRCh37 (hg19) VCF-style: chr20-62076090-C-A.
Other names: p.Q204H:CAG>CAT; c.612G>T, p.Gln204His (NM_004518.6, NM_172106.3, NM_172108.5 and 1 more transcripts); short protein forms Q204H.
Identifiers: ClinVar variation 205872 (VCV000205872.5), dbSNP rs796052625, ClinGen allele CA315369.